The following is an entry in ClinVar:

ClinVar aggregate classification (germline): Uncertain significance. Review status: criteria provided, multiple submitters, no conflicts (2 of 4 stars). 2 submissions from 2 submitters: Uncertain significance (2). Last evaluated 2021-02-12.

Conditions:
Microcephaly 7, primary, autosomal recessive. Identifiers: Orphanet 2512, MedGen C2675187, MONDO:0012989, OMIM 612703.

Allele frequency attached by ClinVar (database versions not stated): TOPMed 0.00001; gnomAD exomes 0.00002; ExAC 0.00003; gnomAD 0.00003; ESP Exome Variant Server 0.00008.
gnomAD v4.1: 57 of 1,614,096 alleles (0.0035%); highest among the groups gnomAD compares: Non-Finnish European, 0.0047%; no homozygotes.

Submissions (2):

Labcorp Genetics (formerly Invitae), Labcorp
Classification: Uncertain significance. Last evaluated: 2021-02-12. Review status: criteria provided, single submitter. Criteria: Invitae Variant Classification Sherloc (09022015). Collection method: clinical testing. Allele origin: germline.
Comment: In summary, the available evidence is currently insufficient to determine the role of this variant in disease. Therefore, it has been classified as a Variant of Uncertain Significance. Algorithms developed to predict the effect of missense changes on protein structure and function output the following: SIFT: "Tolerated"; PolyPhen-2: "Benign"; Align-GVGD: "Class C0". The leucine amino acid residue is found in multiple mammalian species, suggesting that this missense change does not adversely affect protein function. These predictions have not been confirmed by published functional studies and their clinical significance is uncertain. This variant has not been reported in the literature in individuals with STIL-related conditions. ClinVar contains an entry for this variant (Variation ID: 297556). This variant is present in population databases (rs368689118, ExAC 0.005%). This sequence change replaces methionine with leucine at codon 784 of the STIL protein (p.Met784Leu). The methionine residue is moderately conserved and there is a small physicochemical difference between methionine and leucine.

Illumina Laboratory Services, Illumina
Classification: Uncertain significance for Microcephaly 7, primary, autosomal recessive. Last evaluated: 2018-01-13. Review status: criteria provided, single submitter. Criteria: ICSL Variant Classification Criteria 13 December 2019. Collection method: clinical testing. Allele origin: germline.

NM_001048166.1(STIL):c.2350A>T (p.Met784Leu)

Gene: STIL (STIL centriolar assembly protein; minus strand). Cytogenetic location: 1p33.
Variant type: single nucleotide variant.
Coding change: c.2350A>T on transcript NM_001048166.1 (MANE Select); coding-DNA position 2350, A replaced by T.
Protein change: p.Met784Leu; replaces methionine 784 with leucine.
Molecular consequence: missense variant.
Genome position (GRCh38, 1-based): chr1:47,272,109, T>A on the plus strand (A>T on the coding strand, the complement: STIL is on the minus strand). VCF-style: chr1-47272109-T-A. GRCh37 (hg19) VCF-style: chr1-47737781-T-A.
Other names: c.2350A>T, p.Met784Leu (NM_001282936.1, NM_001282937.1, NM_003035.2); c.2209A>T, p.Met737Leu (NM_001282938.1, NM_001282939.1); short protein forms M784L, M737L.
Identifiers: ClinVar variation 297556 (VCV000297556.12), dbSNP rs368689118, ClinGen allele CA842197.